The following is an entry in ClinVar:

NM_001195518.2(MICU1):c.1042C>T (p.Gln348Ter)

Gene: MICU1 (mitochondrial calcium uptake 1; minus strand). Cytogenetic location: 10q22.1.
Variant type: single nucleotide variant.
Coding change: c.1042C>T on transcript NM_001195518.2 (MANE Select); coding-DNA position 1042, C replaced by T.
Protein change: p.Gln348Ter; replaces glutamine 348 with a stop codon.
Molecular consequence: nonsense.
Genome position (GRCh38, 1-based): chr10:72,423,263, G>A on the plus strand (C>T on the coding strand, the complement: MICU1 is on the minus strand). VCF-style: chr10-72423263-G-A. GRCh37 (hg19) VCF-style: chr10-74183021-G-A.
Other names: c.448C>T, p.Gln150Ter (NM_001195519.2); c.1060C>T, p.Gln354Ter (NM_001363513.2); c.1048C>T, p.Gln350Ter (NM_006077.4); short protein forms Q350*, Q150*, Q354*, Q348*.
Identifiers: ClinVar variation 431145 (VCV000431145.3), dbSNP rs1135401814, ClinGen allele CA377171683.

ClinVar aggregate classification (germline): Pathogenic (1 of 4 stars; one submission).

Conditions:
Proximal myopathy with extrapyramidal signs. Also called: Myopathy with extrapyramidal signs. Identifiers: Orphanet 401768, MedGen C3810285, MONDO:0014300, OMIM 615673.

Allele frequency attached by ClinVar (database versions not stated): gnomAD exomes below 0.00001.
gnomAD v4.1: 2 of 1,613,852 alleles (0.00012%); highest among the groups gnomAD compares: Non-Finnish European, 0.00017%; no homozygotes.

Submission:

Groupe Hospitalier Pitie Salpetriere, Uf Genomique Du Developpement, Assistance Publique Hopitaux de Paris Sorbonne Université
Classification: Pathogenic for Myopathy with extrapyramidal signs. Last evaluated: 2017-01-06. Review status: criteria provided, single submitter. Criteria: ACMG Guidelines, 2015. Collection method: clinical testing. Allele origin: maternal. Affected: yes. Observed: 1 variant allele.
Comment: Intellectual disability, mild; pyramidal syndrome; dystonia; myoclonus; sensitivo-motor axonal neuropathy; hypotonia; intestinal malrotation

Literature cited by the submitters: PubMed 28708303.